The following is an entry in ClinVar:

ClinVar aggregate classification (germline): Pathogenic/Likely pathogenic. Review status: criteria provided, multiple submitters, no conflicts (2 of 4 stars). 15 submissions from 14 submitters: Pathogenic (10); Likely pathogenic (2). 3 of the submissions do not count toward it. Last evaluated 2026-10-15.

Conditions:
Retinal dystrophy. Also called: Inherited retinal dystrophy. Identifiers: Orphanet 71862, MedGen C0854723, MeSH D058499, MONDO:0019118, HP:0000556.
Retinitis pigmentosa (RP). Identifiers: OMIM 268000, Orphanet 791, MedGen C0035334, MeSH D012174, MONDO:0019200. Inheritance: Autosomal dominant, autosomal recessive and X linked inheritance.
Usher syndrome type 2A. Also called: RETINAL DISEASE IN USHER SYNDROME TYPE IIA, MODIFIER OF; USHER SYNDROME, TYPE IIA. Identifiers: Orphanet 231178, Orphanet 886, MedGen C1848634, MONDO:0010169, OMIM 276901.
Retinitis pigmentosa 39 (RP39). Identifiers: Orphanet 791, MedGen C3151138, MONDO:0013436, OMIM 613809.
Retinal disorder. Also called: Retinal disorders; Retinopathy; Retinopathies; Retinal Diseases. Identifiers: MedGen C0035309, MONDO:0005283, HP:0000488.
Usher syndrome. Also called: Usher Syndromes; Usher's syndrome. Identifiers: Orphanet 886, MedGen CN469326, MeSH D052245, MONDO:0019501. Disease mechanism: loss of function.
USH2A-related disorder. Also called: USH2A-related disorders; USH2A-related condition. Identifiers: MedGen CN239332.

Allele frequency attached by ClinVar (database versions not stated): ExAC 0.00001; gnomAD exomes 0.00004 and 0.00003; TOPMed 0.00006; gnomAD 0.00007 and 0.00009.
gnomAD v4.1: 53 of 1,613,608 alleles (0.0033%); highest among the groups gnomAD compares: Admixed American, 0.015%; no homozygotes.

Submissions (15):

GeneDx
Classification: Pathogenic. Last evaluated: 2026-10-15. Review status: criteria provided, single submitter. Criteria: GeneDx Variant Classification Process June 2021. Collection method: clinical testing. Allele origin: germline.
Comment: RNA studies demonstrate a damaging effect: abnormal splicing resulting in skipping of exon 12 and production of an abnormal protein product (PMID: 20497194); In silico analysis supports a deleterious effect on splicing; This variant is associated with the following publications: (PMID: 20497194, 25525159, 12112664, 25366773, 30190494, 24944099, 24516651, 23647439, 31964843, 31589614, 31456290, 34781295, 32188678, 36460718, 36819107, 21151602, 31213501, 34906470, 36110214, 41011072, 40725402, 34948090, 33576794)

North West Genomic Laboratory Hub, Manchester University NHS Foundation Trust
Classification: Pathogenic for Retinal disorders. Last evaluated: 2026-03-04. Review status: criteria provided, single submitter. Criteria: ACGS Best Practice Guidelines for Variant Classification in Rare Disease 2024. Collection method: clinical testing. Allele origin: germline. Affected: yes.
Comment: PM2_Supp PM3_Str PVS1_VStr

Labcorp Genetics (formerly Invitae), Labcorp
Classification: Pathogenic. Last evaluated: 2026-01-14. Review status: criteria provided, single submitter. Criteria: Invitae Variant Classification Sherloc (09022015). Collection method: clinical testing. Allele origin: germline.
Comment: This sequence change falls in intron 12 of the USH2A gene. It does not directly change the encoded amino acid sequence of the USH2A protein. It affects a nucleotide within the consensus splice site. This variant is present in population databases (rs771583281, gnomAD 0.01%). This variant has been observed in individuals with Usher syndrome 2 or retinitis pigmentosa (PMID: 12112664, 21151602, 24516651, 30190494). This variant is also known as IVS12+5G>A. ClinVar contains an entry for this variant (Variation ID: 552447). Variants that disrupt the consensus splice site are a relatively common cause of aberrant splicing (PMID: 17576681, 9536098). Studies have shown that this variant alters mRNA splicing and is expected to lead to the loss of protein expression (PMID: 20497194). For these reasons, this variant has been classified as Pathogenic.

Natera, Inc.
Classification: Pathogenic for Usher syndrome type 2A. Last evaluated: 2025-12-30. Review status: criteria provided, single submitter. Criteria: Natera Variant Classification Schema (03/2026). Collection method: clinical testing. Allele origin: germline.
Comment: The c.2167+5G>A variant in USH2A is an intronic variant located outside the canonical splice sites. This variant is rare in the general population with a frequency below the threshold expected for the associated phenotype(s). This variant has been observed in one or more individuals affected with the associated recessive disease, as either homozygous or compound heterozygous with a second variant (PMID: 33576794, 24944099, 12112664). Given the available evidence, this variant is classified as Pathogenic.

Blueprint Genetics
Classification: Pathogenic for USH2A-related disorders. Last evaluated: 2024-06-06. Review status: criteria provided, single submitter. Criteria: ACMG Guidelines, 2015. Collection method: clinical testing. Allele origin: germline. Affected: yes. Observed: 5 variant alleles.

Baylor Genetics
Classification: Pathogenic for Retinitis pigmentosa 39. Last evaluated: 2024-03-12. Review status: criteria provided, single submitter. Criteria: ACMG Guidelines, 2015. Collection method: clinical testing. Allele origin: unknown.

Genome-Nilou Lab
Classification: Likely pathogenic for Retinitis pigmentosa 39. Last evaluated: 2023-04-11. Review status: criteria provided, single submitter. Criteria: ACMG Guidelines, 2015. Collection method: clinical testing. Allele origin: germline. Affected: no.

Genome-Nilou Lab
Classification: Likely pathogenic for Usher syndrome type 2A. Last evaluated: 2023-04-11. Review status: criteria provided, single submitter. Criteria: ACMG Guidelines, 2015. Collection method: clinical testing. Allele origin: germline. Affected: no.

Institute of Human Genetics, Univ. Regensburg, Univ. Regensburg
Classification: Pathogenic for Retinal dystrophy. Last evaluated: 2023-01-01. Review status: criteria provided, single submitter. Criteria: ACMG Guidelines, 2015. Collection method: clinical testing. Allele origin: germline. Affected: yes.

Women's Health and Genetics/Laboratory Corporation of America, LabCorp
Classification: Pathogenic for Usher syndrome. Last evaluated: 2022-12-20. Review status: criteria provided, single submitter. Criteria: LabCorp Variant Classification Summary - May 2015. Collection method: clinical testing. Allele origin: germline.
Comment: Variant summary: USH2A c.2167+5G>A alters a conserved nucleotide located close to a canonical splice site and therefore could affect mRNA splicing, leading to a significantly altered protein sequence. Several computational tools predict a significant impact on normal splicing: Three predict the variant abolishes a canonical 5' splicing donor site and one predicts an extreme weakening of this site. At least one publication reports experimental evidence that this variant affects mRNA splicing, resulting in both out-of frame skipping of exon 12 and an in-frame skipping of the exon with the use of an alternate splice site (Jaijo_2011). The variant allele was found at a frequency of 4e-05 in 250350 control chromosomes. This frequency is not higher than expected for a pathogenic variant in USH2A causing Usher Syndrome (4e-05 vs 0.011), allowing no conclusion about variant significance. c.2167+5G>A has been reported in the literature in multiple individuals affected with Usher Syndrome or Retinitis Pigmentosa (Avila-Fernandez_2010, Gao_2021, Jaijo_2011, Najera_2002, Columbo_2021), and some of these patients were reported as compound heterozygous with other (likely) pathogenic variants. These data indicate that the variant is very likely to be associated with disease. Eight submitters have provided clinical-significance assessments for this variant to ClinVar after 2014 , and all laboratories classified the variant as pathogenic/likely pathogenic. Based on the evidence outlined above, the variant was classified as pathogenic.

Fulgent Genetics
Classification: Pathogenic for Usher syndrome type 2A; Retinitis pigmentosa 39. Last evaluated: 2021-08-12. Review status: criteria provided, single submitter. Criteria: ACMG Guidelines, 2015. Collection method: clinical testing. Allele origin: unknown.

Ocular Genomics Institute, Massachusetts Eye and Ear
Classification: Pathogenic for Retinitis pigmentosa 39. Last evaluated: 2021-04-08. Review status: criteria provided, single submitter. Criteria: ACMG Guidelines, 2015. Collection method: research. Allele origin: germline. Affected: yes.
Comment: Through a review of available evidence we were able to apply the following criteria: PVS1, PM2, PM3. Based on this evidence we have classified this variant as Pathogenic.

PreventionGenetics, part of Exact Sciences
Classification: Pathogenic for USH2A-related condition. Last evaluated: 2024-09-13. Review status: no assertion criteria provided. Collection method: clinical testing. Allele origin: germline. Not counted in ClinVar's aggregate classification.
Comment: The USH2A c.2167+5G>A variant is predicted to interfere with splicing. This variant has been reported as pathogenic in patients with Usher syndrome and inherited retinal dystrophies, with functional studies demonstrating it results in exon skipping (Najera et al. 2002. PubMed ID: 12112664; Jaijo et al. 2011. PubMed ID: 20497194; González-Del Pozo et al 2018. PubMed ID: 30190494). This variant is reported in 0.014% of alleles in individuals of Latino descent in gnomAD. This variant is interpreted as pathogenic.

Sharon lab, Hadassah-Hebrew University Medical Center
Classification: Likely pathogenic for Retinitis pigmentosa. Last evaluated: 2019-06-23. Review status: no assertion criteria provided. Collection method: research. Allele origin: inherited. Affected: yes. Not counted in ClinVar's aggregate classification.

Counsyl
Classification: Likely pathogenic for Usher syndrome type 2A; Retinitis pigmentosa 39. Last evaluated: 2017-06-09. Review status: no assertion criteria provided. Collection method: clinical testing. Allele origin: unknown. Not counted in ClinVar's aggregate classification.

Literature cited by the submitters: PubMed 12112664 (cited by 5 submitters); PubMed 21151602 (cited by 4 submitters); PubMed 24516651 (cited by 3 submitters); PubMed 30190494 (cited by 3 submitters); PubMed 17576681 (cited by Labcorp Genetics (formerly Invitae), Labcorp); PubMed 9536098 (cited by Labcorp Genetics (formerly Invitae), Labcorp); PubMed 20497194 (cited by 5 submitters); PubMed 33576794 (cited by 3 submitters); PubMed 24944099 (cited by 3 submitters); PubMed 25525159 (cited by Institute of Human Genetics, Univ. Regensburg, Univ. Regensburg); PubMed 31589614 (cited by Institute of Human Genetics, Univ. Regensburg, Univ. Regensburg); PubMed 31213501 (cited by Institute of Human Genetics, Univ. Regensburg, Univ. Regensburg); PubMed 31964843 (cited by Institute of Human Genetics, Univ. Regensburg, Univ. Regensburg); PubMed 31456290 (cited by Institute of Human Genetics, Univ. Regensburg, Univ. Regensburg); PubMed 32188678 (cited by Institute of Human Genetics, Univ. Regensburg, Univ. Regensburg and Women's Health and Genetics/Laboratory Corporation of America, LabCorp); PubMed 34948090 (cited by Institute of Human Genetics, Univ. Regensburg, Univ. Regensburg); PubMed 34781295 (cited by Institute of Human Genetics, Univ. Regensburg, Univ. Regensburg); PubMed 36460718 (cited by Institute of Human Genetics, Univ. Regensburg, Univ. Regensburg); PubMed 36819107 (cited by Institute of Human Genetics, Univ. Regensburg, Univ. Regensburg); PubMed 25366773 (cited by Ocular Genomics Institute, Massachusetts Eye and Ear and Counsyl).

NM_206933.4(USH2A):c.2167+5G>A

Gene: USH2A (usherin; minus strand). Cytogenetic location: 1q41.
Variant type: single nucleotide variant.
Coding change: c.2167+5G>A on transcript NM_206933.4 (MANE Select); 5 bases into the intron after coding-DNA position 2167, G replaced by A.
Molecular consequence: intron variant.
Genome position (GRCh38, 1-based): chr1:216,250,898, C>T on the plus strand (G>A on the coding strand, the complement: USH2A is on the minus strand). VCF-style: chr1-216250898-C-T. GRCh37 (hg19) VCF-style: chr1-216424240-C-T.
Other names: c.2167+5G>A (NM_007123.6).
Identifiers: ClinVar variation 552447 (VCV000552447.29), dbSNP rs771583281, ClinGen allele CA1396296.
Genomic context (GRCh38, chr1:216,250,898, plus strand): 5'-CAAATAGAGAATTTTATTCCAGATGGTAATAGAGATGTGACTGTAAACTTTTGCGTTACA[C>T]GTACCAATAACGTTTGCTTTGCACTTGCACTGGCCTGAATTTTGGTGACAGGTAATATCT-3'